The following is an entry in ClinVar:

NM_014244.5(ADAMTS2):c.1340A>G (p.His447Arg)

Gene: ADAMTS2 (ADAM metallopeptidase with thrombospondin type 1 motif 2; minus strand). Cytogenetic location: 5q35.3.
Variant type: single nucleotide variant.
Coding change: c.1340A>G on transcript NM_014244.5 (MANE Select); coding-DNA position 1340, A replaced by G.
Protein change: p.His447Arg; replaces histidine 447 with arginine.
Molecular consequence: missense variant.
Genome position (GRCh38, 1-based): chr5:179,154,091, T>C on the plus strand (A>G on the coding strand, the complement: ADAMTS2 is on the minus strand). VCF-style: chr5-179154091-T-C. GRCh37 (hg19) VCF-style: chr5-178581092-T-C.
Other names: c.1340A>G, p.His447Arg (NM_021599.4); short protein forms H447R.
Identifiers: ClinVar variation 2039202 (VCV002039202.2), dbSNP rs139788309, ClinGen allele CA3595962.
Genomic context (GRCh38, chr5:179,154,091, plus strand): 5'-CACATGGGCAGTACTCACTGCAGGTAGCGGCTCAGCTCCTGCTGGCTGCAGCGGGACCAG[T>C]GGAAGCGGTGGAAGGCGGCCTGCACCAGGGGCGCCATGATGCTGCCCAGCCGCACCTCGT-3'
Protein context (NP_055059.2, residues 437-457): PLVQAAFHRF[His447Arg]WSRCSQQELS

ClinVar aggregate classification (germline): Uncertain significance. Review status: criteria provided, multiple submitters, no conflicts (2 of 4 stars). 2 submissions from 2 submitters: Uncertain significance (2). Last evaluated 2022-05-05.

Conditions:
Ehlers-Danlos syndrome, dermatosparaxis type. Also called: EDS VIIC; Ehlers-Danlos syndrome, type VII, autosomal recessive; Dermatosparaxis. Identifiers: Orphanet 1901, MedGen C2700425, MONDO:0009161, OMIM 225410.
Inborn genetic diseases. Identifiers: MedGen C0950123, MeSH D030342.

Allele frequency attached by ClinVar (database versions not stated): gnomAD exomes 0.00004; 1000 Genomes Project 0.00020; ExAC 0.00020; 1000 Genomes Project 30x 0.00031; TOPMed 0.00040; gnomAD 0.00042; ESP Exome Variant Server 0.00085.
gnomAD v4.1: 124 of 1,603,404 alleles (0.0077%); highest among the groups gnomAD compares: African/African-American, 0.15%; no homozygotes.

Submissions (2):

Labcorp Genetics (formerly Invitae), Labcorp
Classification: Uncertain significance for Ehlers-Danlos syndrome, dermatosparaxis type. Last evaluated: 2022-05-05. Review status: criteria provided, single submitter. Criteria: Invitae Variant Classification Sherloc (09022015). Collection method: clinical testing. Allele origin: germline.
Comment: This sequence change replaces histidine, which is basic and polar, with arginine, which is basic and polar, at codon 447 of the ADAMTS2 protein (p.His447Arg). This variant is present in population databases (rs139788309, gnomAD 0.1%). This variant has not been reported in the literature in individuals affected with ADAMTS2-related conditions. Algorithms developed to predict the effect of missense changes on protein structure and function (SIFT, PolyPhen-2, Align-GVGD) all suggest that this variant is likely to be disruptive. In summary, the available evidence is currently insufficient to determine the role of this variant in disease. Therefore, it has been classified as a Variant of Uncertain Significance.

Ambry Genetics
Classification: Uncertain significance for Inborn genetic diseases. Last evaluated: 2021-11-12. Review status: criteria provided, single submitter. Criteria: Ambry Variant Classification Scheme 2023. Collection method: clinical testing. Allele origin: germline.